The following is an entry in ClinVar:

ClinVar aggregate classification (germline): Uncertain significance (1 of 4 stars; one submission).

Conditions:
Ritscher-Schinzel syndrome 4. Identifiers: MedGen C5561939, MONDO:0030331, OMIM 619435.

Submission:

MVZ Medizinische Genetik Mainz
Classification: Uncertain significance for Ritscher-Schinzel syndrome 4. Last evaluated: 2025-12-03. Review status: criteria provided, single submitter. Criteria: UK Practice Guidelines For Variant Classification V4 01 2020. Collection method: clinical testing. Allele origin: germline. Inheritance: Autosomal dominant inheritance. Affected: yes. Observed: 1 variant allele.
Comment: ACMG Criteria: PP3_MOD,PM2_SUP

NM_020134.4(DPYSL5):c.493G>T (p.Asp165Tyr)

Gene: DPYSL5 (dihydropyrimidinase like 5; plus strand). Cytogenetic location: 2p23.3.
Variant type: single nucleotide variant.
Coding change: c.493G>T on transcript NM_020134.4 (MANE Select); coding-DNA position 493, G replaced by T.
Protein change: p.Asp165Tyr; replaces aspartic acid 165 with tyrosine.
Molecular consequence: missense variant.
Genome position (GRCh38, 1-based): chr2:26,927,325, G>T. VCF-style: chr2-26927325-G-T. GRCh37 (hg19) VCF-style: chr2-27150193-G-T.
Other names: c.493G>T, p.Asp165Tyr (NM_001253723.2, NM_001253724.2); short protein forms D165Y.
Identifiers: ClinVar variation 4540431 (VCV004540431.1).
Genomic context (GRCh38, chr2:26,927,325, plus strand): 5'-ATGGAGACACTGGTGAGGGAGAAGGGTGTCAACTCGTTCCAGATGTTCATGACCTACAAG[G>T]ACCTGTACATGCTTCGAGACAGTGAGCTGTACCAAGTGTTGCACGCTTGCAAGGACATTG-3'
Protein context (NP_064519.2, residues 155-175): NSFQMFMTYK[Asp165Tyr]LYMLRDSELY